The following is an entry in ClinVar:

NM_152641.4(ARID2):c.4420A>G (p.Thr1474Ala)

Gene: ARID2 (AT-rich interaction domain 2; plus strand). Cytogenetic location: 12q12.
Variant type: single nucleotide variant.
Coding change: c.4420A>G on transcript NM_152641.4 (MANE Select); coding-DNA position 4420, A replaced by G.
Protein change: p.Thr1474Ala; replaces threonine 1474 with alanine.
Molecular consequence: missense variant.
Genome position (GRCh38, 1-based): chr12:45,852,543, A>G. VCF-style: chr12-45852543-A-G. GRCh37 (hg19) VCF-style: chr12-46246326-A-G.
Other names: c.4420A>G (NM_152641.2); c.4420A>G, p.Thr1474Ala (NM_001347839.2); short protein forms T1474A.
Identifiers: ClinVar variation 3026243 (VCV003026243.22), dbSNP rs1467419088, ClinGen allele CA384491587.

ClinVar aggregate classification (germline): Uncertain significance. Review status: criteria provided, multiple submitters, no conflicts (2 of 4 stars). 2 submissions from 2 submitters: Uncertain significance (2). Last evaluated 2025-11-03.

Conditions:
Inborn genetic diseases. Identifiers: MedGen C0950123, MeSH D030342.

Allele frequency attached by ClinVar (database versions not stated): gnomAD exomes below 0.00001.
gnomAD v4.1: 5 of 1,614,174 alleles (0.00031%); highest among the groups gnomAD compares: Non-Finnish European, 0.00042%; no homozygotes.

Submissions (2):

Ambry Genetics
Classification: Uncertain significance for Inborn genetic diseases. Last evaluated: 2025-11-03. Review status: criteria provided, single submitter. Criteria: Ambry Variant Classification Scheme 2023. Collection method: clinical testing. Allele origin: germline.

CeGaT Center for Human Genetics Tuebingen
Classification: Uncertain significance. Last evaluated: 2023-12-01. Review status: criteria provided, single submitter. Criteria: CeGaT Center For Human Genetics Tuebingen Variant Classification Criteria Version 2. Collection method: clinical testing. Allele origin: germline. Affected: yes. Observed: 1 variant allele.
Comment: ARID2: PM2, BP4